The following is an entry in ClinVar:

ClinVar aggregate classification (germline): Conflicting classifications of pathogenicity. Review status: criteria provided, conflicting classifications (1 of 4 stars). 2 submissions from 2 submitters: Uncertain significance (1); Likely benign (1). Last evaluated 2025-09-08.

Conditions:
TTC8-related disorder. Also called: TTC8-related condition.

gnomAD v4.1: 6 of 1,463,186 alleles (0.00041%); highest among the groups gnomAD compares: Non-Finnish European, 0.00055%; no homozygotes.

Submissions (2):

PreventionGenetics, part of Exact Sciences
Classification: Uncertain significance for TTC8-related condition. Last evaluated: 2025-09-08. Review status: criteria provided, single submitter. Criteria: ACMG Guidelines, 2015. Collection method: clinical testing. Allele origin: germline.
Comment: The TTC8 c.644T>C variant is predicted to result in the amino acid substitution p.Leu215Ser. To our knowledge, this variant has not been reported in the literature. This variant is reported in 0.0057% of alleles in individuals of European (Non-Finnish) descent in gnomAD. At this time, the clinical significance of this variant is uncertain due to the absence of conclusive functional and genetic evidence.

Blueprint Genetics
Classification: Likely benign. Last evaluated: 2024-08-12. Review status: criteria provided, single submitter. Criteria: ACMG Guidelines, 2015. Collection method: clinical testing. Allele origin: germline.

NM_144596.4(TTC8):c.624+2797T>C

Gene: TTC8 (tetratricopeptide repeat domain 8; plus strand). Cytogenetic location: 14q31.3.
Variant type: single nucleotide variant.
Coding change: c.624+2797T>C on transcript NM_144596.4 (MANE Select); 2797 bases into the intron after coding-DNA position 624, T replaced by C.
Molecular consequence: intron variant. On other transcripts: missense variant (1).
Genome position (GRCh38, 1-based): chr14:88,846,647, T>C. VCF-style: chr14-88846647-T-C. GRCh37 (hg19) VCF-style: chr14-89312991-T-C.
Other names: c.644T>C, p.Leu215Ser (NM_001288781.1); c.30+5090T>C (NM_001288782.1); c.594+2797T>C (NM_198309.3, NM_001366535.2); c.-153-201T>C (NM_001288783.1); c.504+2797T>C (NM_198310.3, NM_001366536.2); short protein forms L215S.
Identifiers: ClinVar variation 3351554 (VCV003351554.3).